The following is an entry in ClinVar:

ClinVar aggregate classification (germline): Pathogenic/Likely pathogenic. Review status: criteria provided, multiple submitters, no conflicts (2 of 4 stars). 3 submissions from 3 submitters: Pathogenic (1); Likely pathogenic (2). Last evaluated 2025-07-07.

Conditions:
Familial hypokalemia-hypomagnesemia (GTLMNS). Also called: gitelman syndrome; HYPOMAGNESEMIA-HYPOKALEMIA, PRIMARY RENOTUBULAR, WITH HYPOCALCIURIA; POTASSIUM AND MAGNESIUM DEPLETION. Identifiers: Orphanet 358, MedGen C0268450, MONDO:0009904, OMIM 263800.

Allele frequency attached by ClinVar (database versions not stated): gnomAD exomes below 0.00001; ExAC 0.00001; gnomAD 0.00001; TOPMed 0.00001.
gnomAD v4.1: 3 of 1,613,952 alleles (0.00019%); highest among the groups gnomAD compares: Admixed American, 0.0033%; no homozygotes.

Submissions (3):

Natera, Inc.
Classification: Likely pathogenic for Gitelman syndrome. Last evaluated: 2025-07-07. Review status: criteria provided, single submitter. Criteria: Natera Variant Classification Schema (03/2026). Collection method: clinical testing. Allele origin: germline.
Comment: The c.438C>A variant in SLC12A3 is a nonsense variant predicted to introduce a stop codon at amino acid 146. This variant is expected to result in nonsense mediated decay, truncation, or a dysfunctional protein product. This variant is rare in the general population with a frequency below the threshold expected for the associated phenotype(s). Given the available evidence, this variant is classified as Likely Pathogenic.

Labcorp Genetics (formerly Invitae), Labcorp
Classification: Pathogenic. Last evaluated: 2024-07-28. Review status: criteria provided, single submitter. Criteria: Invitae Variant Classification Sherloc (09022015). Collection method: clinical testing. Allele origin: germline.
Comment: This sequence change creates a premature translational stop signal (p.Cys146*) in the SLC12A3 gene. It is expected to result in an absent or disrupted protein product. Loss-of-function variants in SLC12A3 are known to be pathogenic (PMID: 20848653, 22009145, 25841442). The frequency data for this variant in the population databases is considered unreliable, as metrics indicate poor data quality at this position in the gnomAD database. This variant has not been reported in the literature in individuals affected with SLC12A3-related conditions. ClinVar contains an entry for this variant (Variation ID: 652156). For these reasons, this variant has been classified as Pathogenic.

Fulgent Genetics
Classification: Likely pathogenic for Familial hypokalemia-hypomagnesemia. Last evaluated: 2024-05-16. Review status: criteria provided, single submitter. Criteria: ACMG Guidelines, 2015. Collection method: clinical testing. Allele origin: germline.

Literature cited by the submitters: PubMed 20848653 (cited by Labcorp Genetics (formerly Invitae), Labcorp); PubMed 22009145 (cited by Labcorp Genetics (formerly Invitae), Labcorp); PubMed 25841442 (cited by Labcorp Genetics (formerly Invitae), Labcorp).

NM_001126108.2(SLC12A3):c.438C>A (p.Cys146Ter)

Gene: SLC12A3 (solute carrier family 12 member 3; plus strand). Cytogenetic location: 16q13.
Variant type: single nucleotide variant.
Coding change: c.438C>A on transcript NM_001126108.2 (MANE Select); coding-DNA position 438, C replaced by A.
Protein change: p.Cys146Ter; replaces cysteine 146 with a stop codon.
Molecular consequence: nonsense.
Genome position (GRCh38, 1-based): chr16:56,868,305, C>A. VCF-style: chr16-56868305-C-A. GRCh37 (hg19) VCF-style: chr16-56902217-C-A.
Other names: c.438C>A, p.Cys146Ter (NM_000339.3); c.435C>A, p.Cys145Ter (NM_001126107.2); short protein forms C145*, C146*.
Identifiers: ClinVar variation 652156 (VCV000652156.9), dbSNP rs751409326, ClinGen allele CA8069036.
Genomic context (GRCh38, chr16:56,868,305, plus strand): 5'-TTTGGCCTTGGGGTGTCCACCCAGGTGGCCTCTGACCCCCCTGTCCTCCCAGATTCGTTG[C>A]ATGCTCAACATTTGGGGCGTGATCCTCTACCTGCGGCTGCCCTGGATTACGGCCCAGGCA-3'